The following is an entry in ClinVar:

ClinVar aggregate classification (germline): Uncertain significance (1 of 4 stars; one submission).

gnomAD v4.1: 2 of 1,614,064 alleles (0.00012%); highest among the groups gnomAD compares: Non-Finnish European, 0.00017%; no homozygotes.

Submission:

Labcorp Genetics (formerly Invitae), Labcorp
Classification: Uncertain significance. Last evaluated: 2023-03-23. Review status: criteria provided, single submitter. Criteria: Invitae Variant Classification Sherloc (09022015). Collection method: clinical testing. Allele origin: germline.
Comment: Advanced modeling of protein sequence and biophysical properties (such as structural, functional, and spatial information, amino acid conservation, physicochemical variation, residue mobility, and thermodynamic stability) performed at Invitae indicates that this missense variant is not expected to disrupt DCHS1 protein function. In summary, the available evidence is currently insufficient to determine the role of this variant in disease. Therefore, it has been classified as a Variant of Uncertain Significance. This variant has not been reported in the literature in individuals affected with DCHS1-related conditions. This sequence change replaces alanine, which is neutral and non-polar, with aspartic acid, which is acidic and polar, at codon 269 of the DCHS1 protein (p.Ala269Asp). This variant is not present in population databases (gnomAD no frequency).

NM_003737.4(DCHS1):c.806C>A (p.Ala269Asp)

Gene: DCHS1 (dachsous cadherin-related 1; minus strand). Cytogenetic location: 11p15.4.
Variant type: single nucleotide variant.
Coding change: c.806C>A on transcript NM_003737.4 (MANE Select); coding-DNA position 806, C replaced by A.
Protein change: p.Ala269Asp; replaces alanine 269 with aspartic acid.
Molecular consequence: missense variant.
Genome position (GRCh38, 1-based): chr11:6,640,808, G>T on the plus strand (C>A on the coding strand, the complement: DCHS1 is on the minus strand). VCF-style: chr11-6640808-G-T. GRCh37 (hg19) VCF-style: chr11-6662039-G-T.
Other names: short protein forms A269D.
Identifiers: ClinVar variation 2811577 (VCV002811577.3), dbSNP rs201800543, ClinGen allele CA379439875.